The following is an entry in ClinVar:

ClinVar aggregate classification (germline): Uncertain significance (1 of 4 stars; one submission).

Submission:

Labcorp Genetics (formerly Invitae), Labcorp
Classification: Uncertain significance. Last evaluated: 2025-10-06. Review status: criteria provided, single submitter. Criteria: Invitae Variant Classification Sherloc (09022015). Collection method: clinical testing. Allele origin: germline.
Comment: This sequence change creates a premature translational stop signal (p.Ile768Serfs*17) in the KCNT2 gene. It is expected to result in an absent or disrupted protein product. However, the current clinical and genetic evidence is not sufficient to establish whether loss-of-function variants in KCNT2 cause disease. This variant is not present in population databases (gnomAD no frequency). This variant has not been reported in the literature in individuals affected with KCNT2-related conditions. In summary, the available evidence is currently insufficient to determine the role of this variant in disease. Therefore, it has been classified as a Variant of Uncertain Significance.

NM_198503.5(KCNT2):c.2302del (p.Ile768fs)

Gene: KCNT2 (potassium sodium-activated channel subfamily T member 2; minus strand). Cytogenetic location: 1q31.3.
Variant type: Deletion.
Coding change: c.2302del on transcript NM_198503.5 (MANE Select); coding-DNA position 2302, one base deleted (A; older notation c.2302delA).
Protein change: p.Ile768fs; shifts the reading frame from isoleucine 768.
Molecular consequence: frameshift variant. On other transcripts: non-coding transcript variant (1), intron variant (2).
Genome position (GRCh38, 1-based): chr1:196,319,530, T deleted on the plus strand (A on the coding strand, the reverse complement: KCNT2 is on the minus strand); the first of 2 consecutive T bases (chr1:196,319,530-196,319,531); deleting either gives the same sequence. VCF-style (leftmost placement, unchanged base first): chr1-196319529-AT-A. GRCh37 (hg19) VCF-style: chr1-196288659-AT-A.
Other names: c.2127-3504del (NM_001287820.3); c.2277-3504del (NM_001287819.3); short protein forms I768fs.
Identifiers: ClinVar variation 4728585 (VCV004728585.1).